The following is an entry in ClinVar:

NM_006269.2(RP1):c.493A>C (p.Lys165Gln)

Gene: RP1 (RP1 axonemal microtubule associated; plus strand). Cytogenetic location: 8q12.1.
Variant type: single nucleotide variant.
Coding change: c.493A>C on transcript NM_006269.2 (MANE Select); coding-DNA position 493, A replaced by C.
Protein change: p.Lys165Gln; replaces lysine 165 with glutamine.
Molecular consequence: missense variant.
Genome position (GRCh38, 1-based): chr8:54,621,459, A>C. VCF-style: chr8-54621459-A-C. GRCh37 (hg19) VCF-style: chr8-55534019-A-C.
Other names: c.493A>C, p.Lys165Gln (NM_001375654.1); short protein forms K165Q.
Identifiers: ClinVar variation 3722402 (VCV003722402.2).

ClinVar aggregate classification (germline): Uncertain significance (1 of 4 stars; one submission).

Submission:

Labcorp Genetics (formerly Invitae), Labcorp
Classification: Uncertain significance. Last evaluated: 2024-10-08. Review status: criteria provided, single submitter. Criteria: Invitae Variant Classification Sherloc (09022015). Collection method: clinical testing. Allele origin: germline.
Comment: This sequence change replaces lysine, which is basic and polar, with glutamine, which is neutral and polar, at codon 165 of the RP1 protein (p.Lys165Gln). This variant is not present in population databases (gnomAD no frequency). This variant has not been reported in the literature in individuals affected with RP1-related conditions. An algorithm developed to predict the effect of missense changes on protein structure and function (PolyPhen-2) suggests that this variant is likely to be disruptive. In summary, the available evidence is currently insufficient to determine the role of this variant in disease. Therefore, it has been classified as a Variant of Uncertain Significance.